The following is an entry in ClinVar:

ClinVar aggregate classification (germline): Uncertain significance (1 of 4 stars; one submission).

Conditions:
Cardiovascular phenotype. Identifiers: MedGen CN230736.

Allele frequency attached by ClinVar (database versions not stated): gnomAD exomes below 0.00001; TOPMed below 0.00001.
gnomAD v4.1: 1 of 1,569,240 alleles (0.000064%); highest among the groups gnomAD compares: East Asian, 0.0023%; no homozygotes.

Submission:

Ambry Genetics
Classification: Uncertain significance for Cardiovascular phenotype. Last evaluated: 2022-01-26. Review status: criteria provided, single submitter. Criteria: Ambry Variant Classification Scheme 2023. Collection method: clinical testing. Allele origin: germline.
Comment: The p.F489L variant (also known as c.1465T>C), located in coding exon 11 of the SCN10A gene, results from a T to C substitution at nucleotide position 1465. The phenylalanine at codon 489 is replaced by leucine, an amino acid with highly similar properties. This amino acid position is conserved. In addition, the in silico prediction for this alteration is inconclusive. Since supporting evidence is limited at this time, the clinical significance of this alteration remains unclear.

NM_006514.4(SCN10A):c.1465T>C (p.Phe489Leu)

Gene: SCN10A (sodium voltage-gated channel alpha subunit 10; minus strand). Cytogenetic location: 3p22.2.
Variant type: single nucleotide variant.
Coding change: c.1465T>C on transcript NM_006514.4 (MANE Select); coding-DNA position 1465, T replaced by C.
Protein change: p.Phe489Leu; replaces phenylalanine 489 with leucine.
Molecular consequence: missense variant. On other transcripts: intron variant (1).
Genome position (GRCh38, 1-based): chr3:38,752,509, A>G on the plus strand (T>C on the coding strand, the complement: SCN10A is on the minus strand). VCF-style: chr3-38752509-A-G. GRCh37 (hg19) VCF-style: chr3-38794000-A-G.
Other names: c.1465T>C, p.Phe489Leu (NM_001293306.2); c.1462-2325T>C (NM_001293307.2); short protein forms F489L.
Identifiers: ClinVar variation 1773247 (VCV001773247.2), dbSNP rs1377852956, ClinGen allele CA352167795.
Genomic context (GRCh38, chr3:38,752,509, plus strand): 5'-ACCGGAAATGGAACACACTGCCATGACTAGCCCGGCGTTTTCCAGAGGCGAGGCCTAGAA[A>G]AGACTGGGCATTGCCCCAAAGGAGCAAGAAGGCTGGAAACTGGTCCTCTGGGAAATCTAG-3'
Protein context (NP_006505.4, residues 479-499): SDPYNQRRMS[Phe489Leu]LGLASGKRRA